The following is an entry in ClinVar:

ClinVar aggregate classification (germline): Uncertain significance. Review status: criteria provided, multiple submitters, no conflicts (2 of 4 stars). 2 submissions from 2 submitters: Uncertain significance (2). Last evaluated 2025-01-12.

Conditions:
Inborn genetic diseases. Identifiers: MedGen C0950123, MeSH D030342.

Allele frequency attached by ClinVar (database versions not stated): ExAC 0.00002; gnomAD 0.00003; gnomAD exomes 0.00005; TOPMed 0.00005; ESP Exome Variant Server 0.00008.
gnomAD v4.1: 79 of 1,612,676 alleles (0.0049%); highest among the groups gnomAD compares: Non-Finnish European, 0.0061%; no homozygotes.

Submissions (2):

Labcorp Genetics (formerly Invitae), Labcorp
Classification: Uncertain significance. Last evaluated: 2025-01-12. Review status: criteria provided, single submitter. Criteria: Invitae Variant Classification Sherloc (09022015). Collection method: clinical testing. Allele origin: germline.
Comment: This sequence change replaces alanine, which is neutral and non-polar, with threonine, which is neutral and polar, at codon 108 of the SLC26A1 protein (p.Ala108Thr). This variant is present in population databases (rs369294755, gnomAD 0.003%). This variant has not been reported in the literature in individuals affected with SLC26A1-related conditions. ClinVar contains an entry for this variant (Variation ID: 2341120). Invitae Evidence Modeling of protein sequence and biophysical properties (such as structural, functional, and spatial information, amino acid conservation, physicochemical variation, residue mobility, and thermodynamic stability) indicates that this missense variant is not expected to disrupt SLC26A1 protein function with a negative predictive value of 80%. In summary, the available evidence is currently insufficient to determine the role of this variant in disease. Therefore, it has been classified as a Variant of Uncertain Significance.

Ambry Genetics
Classification: Uncertain significance for Inborn genetic diseases. Last evaluated: 2021-11-08. Review status: criteria provided, single submitter. Criteria: Ambry Variant Classification Scheme 2023. Collection method: clinical testing. Allele origin: germline.

NM_022042.4(SLC26A1):c.322G>A (p.Ala108Thr)

Genes: IDUA (alpha-L-iduronidase; plus strand), SLC26A1 (solute carrier family 26 member 1; minus strand). Cytogenetic location: 4p16.3.
Variant type: single nucleotide variant.
Coding change: c.322G>A on transcript NM_022042.4 (MANE Select); coding-DNA position 322, G replaced by A.
Protein change: p.Ala108Thr; replaces alanine 108 with threonine.
Molecular consequence: missense variant. On other transcripts: intron variant (1).
Genome position (GRCh38, 1-based): chr4:991,382, C>T on the plus strand (G>A on the coding strand, the complement: SLC26A1 is on the minus strand). VCF-style: chr4-991382-C-T. GRCh37 (hg19) VCF-style: chr4-985170-C-T.
Other names: c.322G>A, p.Ala108Thr (NM_134425.4, NM_213613.4); c.299+3433C>T (NM_000203.5); short protein forms A108T.
Identifiers: ClinVar variation 2341120 (VCV002341120.4), dbSNP rs369294755, ClinGen allele CA2801707.
Genomic context (GRCh38, chr4:991,382, plus strand): 5'-GGCTGAAGATGCCCACGGAGACATGCCGTGAGGTGCCCATGAGGAAGTAGATGAGGTTGG[C>T]GAAGAAGGACGTATAGAGGCTGTAGATGGGCTGCAGCCCGGCCAGCAATGAGTAGGCGAT-3'
Protein context (NP_071325.2, residues 98-118): PIYSLYTSFF[Ala108Thr]NLIYFLMGTS